The following is an entry in ClinVar:

ClinVar aggregate classification (germline): Uncertain significance. Review status: criteria provided, multiple submitters, no conflicts (2 of 4 stars). 2 submissions from 2 submitters: Uncertain significance (2). Last evaluated 2023-01-18.

Conditions:
Autism spectrum disorder - epilepsy - arthrogryposis syndrome (AMRS). Identifiers: Orphanet 370943, MedGen C3809910, MONDO:0014248, OMIM 615553.
Inborn genetic diseases. Identifiers: MedGen C0950123, MeSH D030342.

Allele frequency attached by ClinVar (database versions not stated): gnomAD exomes below 0.00001; TOPMed below 0.00001.
gnomAD v4.1: 1 of 1,516,766 alleles (0.000066%); highest among the groups gnomAD compares: South Asian, 0.0013%; no homozygotes.

Submissions (2):

Ambry Genetics
Classification: Uncertain significance for Inborn genetic diseases. Last evaluated: 2023-01-18. Review status: criteria provided, single submitter. Criteria: Ambry Variant Classification Scheme 2023. Collection method: clinical testing. Allele origin: germline.

Labcorp Genetics (formerly Invitae), Labcorp
Classification: Uncertain significance for Autism spectrum disorder - epilepsy - arthrogryposis syndrome. Last evaluated: 2022-04-01. Review status: criteria provided, single submitter. Criteria: Invitae Variant Classification Sherloc (09022015). Collection method: clinical testing. Allele origin: germline.
Comment: This sequence change replaces aspartic acid, which is acidic and polar, with glutamic acid, which is acidic and polar, at codon 159 of the SLC35A3 protein (p.Asp159Glu). This variant is not present in population databases (gnomAD no frequency). This variant has not been reported in the literature in individuals affected with SLC35A3-related conditions. Algorithms developed to predict the effect of missense changes on protein structure and function output the following: SIFT: "Tolerated"; PolyPhen-2: "Benign"; Align-GVGD: "Class C0". The glutamic acid amino acid residue is found in multiple mammalian species, which suggests that this missense change does not adversely affect protein function. In summary, the available evidence is currently insufficient to determine the role of this variant in disease. Therefore, it has been classified as a Variant of Uncertain Significance.

NM_012243.3(SLC35A3):c.477T>G (p.Asp159Glu)

Gene: SLC35A3 (solute carrier family 35 member A3; plus strand). Cytogenetic location: 1p21.2.
Variant type: single nucleotide variant.
Coding change: c.477T>G on transcript NM_012243.3 (MANE Select); coding-DNA position 477, T replaced by G.
Protein change: p.Asp159Glu; replaces aspartic acid 159 with glutamic acid.
Molecular consequence: missense variant.
Genome position (GRCh38, 1-based): chr1:100,011,376, T>G. VCF-style: chr1-100011376-T-G. GRCh37 (hg19) VCF-style: chr1-100476932-T-G.
Other names: c.477T>G, p.Asp159Glu (NM_001271684.2); c.603T>G, p.Asp201Glu (NM_001271685.2); c.477T>G (NM_012243.1); short protein forms D159E, D201E.
Identifiers: ClinVar variation 1909163 (VCV001909163.4), dbSNP rs1659622235, ClinGen allele CA341314924.